The following is an entry in ClinVar:

NM_021067.5(GINS1):c.295C>T (p.Pro99Ser)

Gene: GINS1 (GINS complex subunit 1; plus strand). Cytogenetic location: 20p11.21.
Variant type: single nucleotide variant.
Coding change: c.295C>T on transcript NM_021067.5 (MANE Select); coding-DNA position 295, C replaced by T.
Protein change: p.Pro99Ser; replaces proline 99 with serine.
Molecular consequence: missense variant. On other transcripts: non-coding transcript variant (1), intron variant (1).
Genome position (GRCh38, 1-based): chr20:25,418,160, C>T. VCF-style: chr20-25418160-C-T. GRCh37 (hg19) VCF-style: chr20-25398796-C-T.
Other names: c.295C>T, p.Pro99Ser (NM_001410830.1); c.76-7051C>T (NM_001410831.1); short protein forms P99S.
Identifiers: ClinVar variation 2801008 (VCV002801008.3), dbSNP rs1189374707, ClinGen allele CA408448130.

ClinVar aggregate classification (germline): Uncertain significance (1 of 4 stars; one submission).

Allele frequency attached by ClinVar (database versions not stated): TOPMed below 0.00001; gnomAD exomes below 0.00001.
gnomAD v4.1: 2 of 1,601,550 alleles (0.00012%); highest among the groups gnomAD compares: Admixed American, 0.0017%; no homozygotes.

Submission:

Labcorp Genetics (formerly Invitae), Labcorp
Classification: Uncertain significance. Last evaluated: 2025-11-02. Review status: criteria provided, single submitter. Criteria: Invitae Variant Classification Sherloc (09022015). Collection method: clinical testing. Allele origin: germline.
Comment: This sequence change replaces proline, which is neutral and non-polar, with serine, which is neutral and polar, at codon 99 of the GINS1 protein (p.Pro99Ser). This variant is present in population databases (no rsID available, gnomAD 0.003%). This variant has not been reported in the literature in individuals affected with GINS1-related conditions. ClinVar contains an entry for this variant (Variation ID: 2801008). An algorithm developed to predict the effect of missense changes on protein structure and function (PolyPhen-2) suggests that this variant is likely to be disruptive. In summary, the available evidence is currently insufficient to determine the role of this variant in disease. Therefore, it has been classified as a Variant of Uncertain Significance.